The following is an entry in ClinVar:

ClinVar aggregate classification (germline): Pathogenic/Likely pathogenic. Review status: criteria provided, multiple submitters, no conflicts (2 of 4 stars). 5 submissions from 5 submitters: Pathogenic (3); Likely pathogenic (2). Last evaluated 2025-09-10.

Conditions:
Carnitine deficiency. Identifiers: MedGen C1142132.
Renal carnitine transport defect (CDSP). Also called: Systemic primary carnitine deficiency disease; Systemic primary carnitine deficiency; Carnitine transporter deficiency; Carnitine Deficiency, Systemic; CARNITINE DEFICIENCY, SYSTEMIC, DUE TO DEFECT IN RENAL REABSORPTION OF CARNITINE; CARNITINE TRANSPORTER, PLASMA-MEMBRANE, DEFICIENCY OF. Identifiers: Orphanet 158, MedGen C0342788, MONDO:0008919, OMIM 212140.

Submissions (5):

Labcorp Genetics (formerly Invitae), Labcorp
Classification: Pathogenic for Renal carnitine transport defect. Last evaluated: 2025-09-10. Review status: criteria provided, single submitter. Criteria: Invitae Variant Classification Sherloc (09022015). Collection method: clinical testing. Allele origin: germline.
Comment: This sequence change replaces arginine, which is basic and polar, with proline, which is neutral and non-polar, at codon 19 of the SLC22A5 protein (p.Arg19Pro). Information on the frequency of this variant in the gnomAD database is not available, as this variant may be reported differently in the database. This missense change has been observed in individual(s) with clinical features of primary carnitine deficiency (PMID: 11715001; internal data). In at least one individual the data is consistent with being in trans (on the opposite chromosome) from a pathogenic variant. ClinVar contains an entry for this variant (Variation ID: 595954). An algorithm developed to predict the effect of missense changes on protein structure and function (PolyPhen-2) suggests that this variant is likely to be disruptive. Experimental studies have shown that this missense change affects SLC22A5 function (PMID: 11715001, 16652335, 28841266). For these reasons, this variant has been classified as Pathogenic.

Natera, Inc.
Classification: Likely pathogenic for Carnitine deficiency. Last evaluated: 2025-06-05. Review status: criteria provided, single submitter. Criteria: Natera Variant Classification Schema (03/2026). Collection method: clinical testing. Allele origin: germline.
Comment: The c.56_57delGCinsCT variant in SLC22A5 is a deletion-insertion (delins) variant predicted to replace one or more nucleotides with a different sequence. This variant is rare in the general population with a frequency below the threshold expected for the associated phenotype(s). Functional studies show that this variant may disrupt protein function (PMID: 16652335, 27931018). Another variant at this same site results in an alteration predicted to cause a similar molecular effect has been observed in individual(s) with the associated phenotype. Computational prediction algorithms indicate this variant is likely to affect gene or protein function. Given the available evidence, this variant is classified as Likely Pathogenic.

Mayo Clinic Laboratories, Mayo Clinic
Classification: Likely pathogenic. Last evaluated: 2023-12-27. Review status: criteria provided, single submitter. Criteria: ACMG Guidelines, 2015. Collection method: clinical testing. Allele origin: germline. Observed: 1 variant allele.
Comment: PP4, PM2, PM3, PS3_moderate

Genome-Nilou Lab
Classification: Pathogenic for Renal carnitine transport defect. Last evaluated: 2021-07-15. Review status: criteria provided, single submitter. Criteria: ACMG Guidelines, 2015. Collection method: clinical testing. Allele origin: germline. Affected: no.

Eurofins Ntd Llc (ga)
Classification: Pathogenic. Last evaluated: 2018-01-30. Review status: criteria provided, single submitter. Criteria: EGL Classification Definitions 2015. Collection method: clinical testing. Allele origin: germline. Observed: 1 variant allele, 1 heterozygote.

Literature cited by the submitters: PubMed 11715001 (cited by Labcorp Genetics (formerly Invitae), Labcorp and Mayo Clinic Laboratories, Mayo Clinic); PubMed 16652335 (cited by 3 submitters); PubMed 28841266 (cited by Labcorp Genetics (formerly Invitae), Labcorp and Mayo Clinic Laboratories, Mayo Clinic); PubMed 27931018 (cited by Natera, Inc.).

NM_003060.4(SLC22A5):c.56_57delinsCT (p.Arg19Pro)

Gene: SLC22A5 (solute carrier family 22 member 5; plus strand). Cytogenetic location: 5q31.1.
Variant type: Indel.
Coding change: c.56_57delinsCT on transcript NM_003060.4 (MANE Select); coding-DNA positions 56 to 57, GC replaced by CT.
Protein change: p.Arg19Pro; replaces arginine 19 with proline.
Molecular consequence: missense variant.
Genome position (GRCh38, 1-based): chr5:132,370,028-132,370,029, GC replaced by CT. VCF-style: chr5-132370028-GC-CT. GRCh37 (hg19) VCF-style: chr5-131705720-GC-CT.
Other names: p.Arg19Pro; c.56_57delinsCT, p.Arg19Pro (NM_001308122.2); c.56_57delGCinsCT (NM_003060.3); short protein forms R19P.
Identifiers: ClinVar variation 595954 (VCV000595954.17), dbSNP rs1561560424, ClinGen allele CA913190144.